The following is an entry in ClinVar:

ClinVar aggregate classification (germline): Uncertain significance. Review status: criteria provided, multiple submitters, no conflicts (2 of 4 stars). 2 submissions from 2 submitters: Uncertain significance (2). Last evaluated 2023-10-29.

Allele frequency attached by ClinVar (database versions not stated): gnomAD 0.00001; TOPMed 0.00003.
gnomAD v4.1: 3 of 1,611,960 alleles (0.00019%); highest among the groups gnomAD compares: African/African-American, 0.0013%; no homozygotes.

Submissions (2):

Labcorp Genetics (formerly Invitae), Labcorp
Classification: Uncertain significance. Last evaluated: 2023-10-29. Review status: criteria provided, single submitter. Criteria: Invitae Variant Classification Sherloc (09022015). Collection method: clinical testing. Allele origin: germline.
Comment: This sequence change replaces cysteine, which is neutral and slightly polar, with arginine, which is basic and polar, at codon 449 of the ANKH protein (p.Cys449Arg). This variant is not present in population databases (gnomAD no frequency). This variant has not been reported in the literature in individuals affected with ANKH-related conditions. An algorithm developed to predict the effect of missense changes on protein structure and function (PolyPhen-2) suggests that this variant is likely to be tolerated. In summary, the available evidence is currently insufficient to determine the role of this variant in disease. Therefore, it has been classified as a Variant of Uncertain Significance.

Blueprint Genetics
Classification: Uncertain significance. Last evaluated: 2021-11-09. Review status: criteria provided, single submitter. Criteria: ACMG Guidelines, 2015. Collection method: clinical testing. Allele origin: germline.

NM_054027.6(ANKH):c.1345T>C (p.Cys449Arg)

Genes: ANKH (ANKH inorganic pyrophosphate transport regulator; minus strand), OTULIN (OTU deubiquitinase with linear linkage specificity; plus strand), LOC100130744 (uncharacterized LOC100130744; plus strand). Cytogenetic location: 5p15.2.
Variant type: single nucleotide variant.
Coding change: c.1345T>C on transcript NM_054027.6 (MANE Select); coding-DNA position 1345, T replaced by C.
Protein change: p.Cys449Arg; replaces cysteine 449 with arginine.
Molecular consequence: missense variant. On other transcripts: non-coding transcript variant (1).
Genome position (GRCh38, 1-based): chr5:14,712,894, A>G on the plus strand (T>C on the coding strand, the complement: ANKH is on the minus strand). VCF-style: chr5-14712894-A-G. GRCh37 (hg19) VCF-style: chr5-14713003-A-G.
Other names: short protein forms C449R.
Identifiers: ClinVar variation 2976438 (VCV002976438.4), dbSNP rs1737285926, ClinGen allele CA359244795.